The following is an entry in ClinVar:

NM_001379110.1(SLC9A6):c.1702A>G (p.Thr568Ala)

Gene: SLC9A6 (solute carrier family 9 member A6; plus strand). Cytogenetic location: Xq26.3.
Variant type: single nucleotide variant.
Coding change: c.1702A>G on transcript NM_001379110.1 (MANE Select); coding-DNA position 1702, A replaced by G.
Protein change: p.Thr568Ala; replaces threonine 568 with alanine.
Molecular consequence: missense variant.
Genome position (GRCh38, 1-based): chrX:136,040,116, A>G. VCF-style: chrX-136040116-A-G. GRCh37 (hg19) VCF-style: chrX-135122275-A-G.
Other names: c.1768A>G, p.Thr590Ala (NM_001042537.2); c.1612A>G, p.Thr538Ala (NM_001177651.2, NM_001400909.1, NM_001400910.1 and 2 more transcripts); c.1516A>G, p.Thr506Ala (NM_001330652.2, NM_001400913.1); c.1672A>G, p.Thr558Ala (NM_006359.3); short protein forms T506A, T538A, T568A, T558A, T590A.
Identifiers: ClinVar variation 2312577 (VCV002312577.2), dbSNP rs2071481648, ClinGen allele CA414756075.

ClinVar aggregate classification (germline): Uncertain significance (1 of 4 stars; one submission).

Conditions:
Inborn genetic diseases. Identifiers: MedGen C0950123, MeSH D030342.

Submission:

Ambry Genetics
Classification: Uncertain significance for Inborn genetic diseases. Last evaluated: 2022-10-26. Review status: criteria provided, single submitter. Criteria: Ambry Variant Classification Scheme 2023. Collection method: clinical testing. Allele origin: germline.
Comment: The c.1672A>G (p.T558A) alteration is located in exon 15 (coding exon 15) of the SLC9A6 gene. This alteration results from an A to G substitution at nucleotide position 1672, causing the threonine (T) at amino acid position 558 to be replaced by an alanine (A). This variant was not reported in population-based cohorts in the Genome Aggregation Database (gnomAD). This amino acid position is highly conserved in available vertebrate species. This alteration is predicted to be tolerated by in silico analysis. Based on insufficient or conflicting evidence, the clinical significance of this alteration remains unclear.